The following is an entry in ClinVar:

ClinVar aggregate classification (germline): Likely benign (1 of 4 stars; one submission).

Allele frequency attached by ClinVar (database versions not stated): gnomAD exomes below 0.00001 and 0.00001.

Submission:

CeGaT Center for Human Genetics Tuebingen
Classification: Likely benign. Last evaluated: 2022-05-01. Review status: criteria provided, single submitter. Criteria: CeGaT Center For Human Genetics Tuebingen Variant Classification Criteria Version 2. Collection method: clinical testing. Allele origin: germline. Affected: yes. Observed: 1 variant allele.
Comment: PARS2: BP4, BP7

NM_152268.4(PARS2):c.201C>T (p.Thr67=)

Gene: PARS2 (prolyl-tRNA synthetase 2, mitochondrial; minus strand). Cytogenetic location: 1p32.3.
Variant type: single nucleotide variant.
Coding change: c.201C>T on transcript NM_152268.4 (MANE Select); coding-DNA position 201, C replaced by T.
Protein change: p.Thr67=; no amino-acid change (threonine 67 retained).
Molecular consequence: synonymous variant.
Genome position (GRCh38, 1-based): chr1:54,758,961, G>A on the plus strand (C>T on the coding strand, the complement: PARS2 is on the minus strand). VCF-style: chr1-54758961-G-A. GRCh37 (hg19) VCF-style: chr1-55224634-G-A.
Identifiers: ClinVar variation 1694513 (VCV001694513.31), dbSNP rs1456546326, ClinGen allele CA418179370.